The following is an entry in ClinVar:

NM_000492.4(CFTR):c.3988_3989del (p.Gln1330fs)

Gene: CFTR (CF transmembrane conductance regulator; plus strand). Cytogenetic location: 7q31.2.
Variant type: Deletion.
Coding change: c.3988_3989del on transcript NM_000492.4 (MANE Select); coding-DNA positions 3988 to 3989, 2 bases deleted (CA; older notation c.3988_3989delCA).
Protein change: p.Gln1330fs; shifts the reading frame from glutamine 1330.
Molecular consequence: frameshift variant.
Genome position (GRCh38, 1-based): chr7:117,664,712-117,664,713, CA deleted; deleting any 2 consecutive bases within chr7:117,664,711-117,664,713 gives the same sequence; the c. name uses the placement nearest the transcript's 3' end. VCF-style (leftmost placement, unchanged base first): chr7-117664710-AAC-A. GRCh37 (hg19) VCF-style: chr7-117304764-AAC-A.
Other names: c.3988_3989delCA (NM_000492.3); short protein forms Q1330fs.
Identifiers: ClinVar variation 370397 (VCV000370397.15), dbSNP rs1057516457, ClinGen allele CA16041140.

ClinVar aggregate classification (germline): Pathogenic/Likely pathogenic. Review status: criteria provided, multiple submitters, no conflicts (2 of 4 stars). 8 submissions from 7 submitters: Pathogenic (3); Likely pathogenic (4). 1 of the submissions does not count toward it. Last evaluated 2025-01-20.

Conditions:
Bronchiectasis with or without elevated sweat chloride 1 (BESC1). Also called: Cystic Fibrosis-Like Syndrome. Identifiers: Orphanet 60033, MedGen C2749757, MONDO:0008887, OMIM 211400.
Cystic fibrosis (CF). Also called: MUCOVISCIDOSIS. Identifiers: Orphanet 586, MedGen C0010674, MONDO:0009061, OMIM 219700. Disease mechanism: loss of function.
CFTR-related disorder (CFTR-RD). Also called: CFTR-related disorders; CFTR-related condition. Identifiers: MedGen C5924204, MONDO:7770004.
Congenital bilateral aplasia of vas deferens from CFTR mutation (CBAVD). Identifiers: Orphanet 48, MedGen C0403814, MONDO:0010178, OMIM 277180. Disease mechanism: loss of function.

Submissions (8):

Natera, Inc.
Classification: Likely pathogenic for CFTR-related disorders. Last evaluated: 2025-01-20. Review status: criteria provided, single submitter. Criteria: Natera Variant Classification Schema (03/2026). Collection method: clinical testing. Allele origin: germline.
Comment: The c.3988_3989delCA variant in CFTR is a frameshift variant predicted to shift the reading frame beginning at codon 1330 and leads to a stop codon 6 codons downstream. This variant is expected to result in nonsense mediated decay, truncation, or a dysfunctional protein product. This variant is rare in the general population with a frequency below the threshold expected for the associated phenotype(s). Given the available evidence, this variant is classified as Likely Pathogenic.

Labcorp Genetics (formerly Invitae), Labcorp
Classification: Pathogenic for Cystic fibrosis. Last evaluated: 2024-03-14. Review status: criteria provided, single submitter. Criteria: Invitae Variant Classification Sherloc (09022015). Collection method: clinical testing. Allele origin: germline.
Comment: This sequence change creates a premature translational stop signal (p.Gln1330Valfs*6) in the CFTR gene. It is expected to result in an absent or disrupted protein product. Loss-of-function variants in CFTR are known to be pathogenic (PMID: 1695717, 7691345, 9725922). This variant is not present in population databases (gnomAD no frequency). This premature translational stop signal has been observed in individual(s) with clinical features of cystic fibrosis (PMID: 32020786). This variant is also known as c.3987_3988delAC (p.E1329fs). ClinVar contains an entry for this variant (Variation ID: 370397). Algorithms developed to predict the effect of sequence changes on RNA splicing suggest that this variant may disrupt the consensus splice site. For these reasons, this variant has been classified as Pathogenic.

Baylor Genetics
Classification: Likely pathogenic for Bronchiectasis with or without elevated sweat chloride 1. Last evaluated: 2024-02-25. Review status: criteria provided, single submitter. Criteria: ACMG Guidelines, 2015. Collection method: clinical testing. Allele origin: unknown.

Women's Health and Genetics/Laboratory Corporation of America, LabCorp
Classification: Likely pathogenic for Cystic fibrosis. Last evaluated: 2022-12-05. Review status: criteria provided, single submitter. Criteria: LabCorp Variant Classification Summary - May 2015. Collection method: clinical testing. Allele origin: germline.
Comment: Variant summary: CFTR c.3988_3989delCA (p.Gln1330ValfsX6) results in a premature termination codon, predicted to cause a truncation of the encoded protein or absence of the protein due to nonsense mediated decay, which are commonly known mechanisms for disease. Truncations downstream of this position have been classified as pathogenic by our laboratory. The variant allele was found at a frequency of 3.9e-06 in 253512 control chromosomes (gnomAD, Zou_2018). c.3988_3989delCA has been reported in the literature in at least one individual affected with Congenital bilateral absence of vas deferens (CBAVD, Wang_2020). These data do not allow any conclusion about variant significance. To our knowledge, no experimental evidence demonstrating an impact on protein function has been reported. Two ClinVar submitters have assessed the variant since 2014: one classified the variant as likely pathogenic and one as pathogenic. Based on the evidence outlined above, the variant was classified as likely pathogenic.

Institute of Human Genetics, University of Leipzig Medical Center
Classification: Pathogenic for Cystic fibrosis. Last evaluated: 2022-09-05. Review status: criteria provided, single submitter. Criteria: ACMG Guidelines, 2015. Collection method: curation. Allele origin: unknown. Affected: yes. Observed: 1 variant allele.
Comment: The variant was classified in the context of a project re-classifying variants in the German Cystic Fibrosis Registry (Muko.e.V.). Criteria applied: PVS1, PM2_SUP, PP4

Baylor Genetics
Classification: Likely pathogenic for Congenital bilateral aplasia of vas deferens from CFTR mutation; Cystic fibrosis. Review status: criteria provided, single submitter. Criteria: ACMG Guidelines, 2015. Collection method: clinical testing. Allele origin: germline.

Juno Genomics, Hangzhou Juno Genomics, Inc
Classification: Pathogenic for Congenital bilateral aplasia of vas deferens from CFTR mutation; Cystic fibrosis. Review status: criteria provided, single submitter. Criteria: ACMG Guidelines, 2015. Collection method: clinical testing. Allele origin: germline.
Comment: Absent from controls (or at extremely low frequency if recessive) in Genome Aggregation Database.;Null variant in a gene where loss of function (LOF) is a known mechanism of disease.;For recessive disorders, detected in trans with a pathogenic variant.

Counsyl
Classification: Likely pathogenic for Cystic fibrosis. Last evaluated: 2016-02-01. Review status: no assertion criteria provided. Collection method: clinical testing. Allele origin: unknown. Not counted in ClinVar's aggregate classification.

Literature cited by the submitters: PubMed 1695717 (cited by Labcorp Genetics (formerly Invitae), Labcorp); PubMed 7691345 (cited by Labcorp Genetics (formerly Invitae), Labcorp); PubMed 9725922 (cited by Labcorp Genetics (formerly Invitae), Labcorp); PubMed 32020786 (cited by Labcorp Genetics (formerly Invitae), Labcorp and Women's Health and Genetics/Laboratory Corporation of America, LabCorp); PubMed 30420730 (cited by Women's Health and Genetics/Laboratory Corporation of America, LabCorp).